The following is an entry in ClinVar:

NM_002755.3(MAP2K1):c.-767A>C

Genes: MAP2K1 (mitogen-activated protein kinase kinase 1; plus strand), TIPIN (TIMELESS interacting protein; minus strand), LOC130057338 (ATAC-STARR-seq lymphoblastoid active region 9612; plus strand). Cytogenetic location: 15q22.31.
Variant type: single nucleotide variant.
Coding change: c.-767A>C on transcript NM_002755.3; 767 bases upstream of the start codon, A replaced by C.
Molecular consequence: intron variant (on NM_001398285.1).
Genome position (GRCh38, 1-based): chr15:66,386,581, A>C. VCF-style: chr15-66386581-A-C. GRCh37 (hg19) VCF-style: chr15-66678919-A-C.
Other names: c.-236+69T>G (NM_001398285.1); c.-9+69T>G (NM_001398281.1); c.-236+26T>G (NM_001398286.1); c.-9+26T>G (NM_001398283.1).
Identifiers: ClinVar variation 561817 (VCV000561817.3), dbSNP rs11071888, ClinGen allele CA14104440.

ClinVar aggregate classification (germline): Benign (1 of 4 stars; one submission).

Allele frequency attached by ClinVar (database versions not stated): TOPMed 0.20965; gnomAD exomes 0.23492; 1000 Genomes Project 30x 0.24407; gnomAD 0.20328 and 0.20439; 1000 Genomes Project 0.24760.
gnomAD v4.1: 34,224 of 165,380 alleles (21%); highest among the groups gnomAD compares: East Asian, 39%; 3,761 homozygotes.

Submission:

GeneDx
Classification: Benign. Last evaluated: 2018-06-19. Review status: criteria provided, single submitter. Criteria: GeneDx Variant Classification (06012015). Collection method: clinical testing. Allele origin: germline. Affected: yes.
Comment: This variant is considered likely benign or benign based on one or more of the following criteria: it is a conservative change, it occurs at a poorly conserved position in the protein, it is predicted to be benign by multiple in silico algorithms, and/or has population frequency not consistent with disease.